The following is an entry in ClinVar:

ClinVar aggregate classification (germline): Pathogenic/Likely pathogenic. Review status: criteria provided, multiple submitters, no conflicts (2 of 4 stars). 2 submissions from 2 submitters: Pathogenic (1); Likely pathogenic (1). Last evaluated 2025-01-02.

Conditions:
Ehlers-Danlos syndrome, classic type, 1 (EDSCL1). Also called: EHLERS-DANLOS SYNDROME, GRAVIS TYPE; EHLERS-DANLOS SYNDROME, SEVERE CLASSIC TYPE; Ehlers-Danlos syndrome, type 1; Ehlers-Danlos Syndrome, Classic Type, COL5A1-Related; EDS I. Identifiers: MedGen C0268335, MONDO:0019567, OMIM 130000.
Osteogenesis imperfecta type I (OI1). Also called: OI, TYPE I; OSTEOGENESIS IMPERFECTA TARDA; OSTEOGENESIS IMPERFECTA WITH BLUE SCLERAE; Osteogenesis imperfecta type 1; Lobstein's Disease; Lobstein disease. Identifiers: Orphanet 216796, Orphanet 666, MedGen C0023931, MONDO:0008146, OMIM 166200. Disease mechanism: loss of function.

Submissions (2):

GeneDx
Classification: Likely pathogenic. Last evaluated: 2025-01-02. Review status: criteria provided, single submitter. Criteria: GeneDx Variant Classification Process June 2021. Collection method: clinical testing. Allele origin: germline. Affected: yes.
Comment: Not observed at significant frequency in large population cohorts (gnomAD); In silico analysis supports that this missense variant has a deleterious effect on protein structure/function; Not located in the triple helical region, where the majority of pathogenic missense variants occur (HGMD); This variant is associated with the following publications: (PMID: 31414283, 37270749, 26845496, 21530898)

Labcorp Genetics (formerly Invitae), Labcorp
Classification: Pathogenic for Osteogenesis imperfecta type I; Ehlers-Danlos syndrome, classic type, 1. Last evaluated: 2024-03-04. Review status: criteria provided, single submitter. Criteria: Invitae Variant Classification Sherloc (09022015). Collection method: clinical testing. Allele origin: germline.
Comment: This sequence change replaces tyrosine, which is neutral and polar, with cysteine, which is neutral and slightly polar, at codon 1117 of the COL1A2 protein (p.Tyr1117Cys). This variant is not present in population databases (gnomAD no frequency). This missense change has been observed in individual(s) with clinical features of autosomal dominant osteogenesis imperfecta (PMID: 21530898, 31414283; Invitae). It has also been observed to segregate with disease in related individuals. ClinVar contains an entry for this variant (Variation ID: 1472691). Advanced modeling of protein sequence and biophysical properties (such as structural, functional, and spatial information, amino acid conservation, physicochemical variation, residue mobility, and thermodynamic stability) performed at Invitae indicates that this missense variant is expected to disrupt COL1A2 protein function with a positive predictive value of 95%. For these reasons, this variant has been classified as Pathogenic.

Literature cited by the submitters: PubMed 21530898 (cited by Labcorp Genetics (formerly Invitae), Labcorp); PubMed 31414283 (cited by Labcorp Genetics (formerly Invitae), Labcorp).

NM_000089.4(COL1A2):c.3350A>G (p.Tyr1117Cys)

Gene: COL1A2 (collagen type I alpha 2 chain; plus strand). Cytogenetic location: 7q21.3.
Variant type: single nucleotide variant.
Coding change: c.3350A>G on transcript NM_000089.4 (MANE Select); coding-DNA position 3350, A replaced by G.
Protein change: p.Tyr1117Cys; replaces tyrosine 1117 with cysteine.
Molecular consequence: missense variant.
Genome position (GRCh38, 1-based): chr7:94,427,709, A>G. VCF-style: chr7-94427709-A-G. GRCh37 (hg19) VCF-style: chr7-94057021-A-G.
Other names: c.3350A>G (NM_000089.3); short protein forms Y1117C.
Identifiers: ClinVar variation 1472691 (VCV001472691.9), dbSNP rs2115959866, ClinGen allele CA368225786.